The following is an entry in ClinVar:

ClinVar aggregate classification (germline): Pathogenic (1 of 4 stars; one submission).

Submission:

CeGaT Center for Human Genetics Tuebingen
Classification: Pathogenic. Last evaluated: 2023-01-01. Review status: criteria provided, single submitter. Criteria: CeGaT Center For Human Genetics Tuebingen Variant Classification Criteria Version 2. Collection method: clinical testing. Allele origin: germline. Affected: yes. Observed: 1 variant allele.
Comment: COL1A1: PVS1, PM2, PP4

NC_000017.11:g.50188796del

Gene: COL1A1 (collagen type I alpha 1 chain; minus strand). Cytogenetic location: 17q21.33.
Variant type: Deletion.
Genome position: GRCh38 VCF-style: chr17-50188791-GC-G. GRCh37 (hg19) VCF-style: chr17-48266152-GC-G.
Identifiers: ClinVar variation 2498714 (VCV002498714.28), dbSNP rs2509178927, ClinGen allele CA645569644.